The following is an entry in ClinVar:

ClinVar aggregate classification (germline): Uncertain significance. Review status: criteria provided, multiple submitters, no conflicts (2 of 4 stars). 2 submissions from 2 submitters: Uncertain significance (2). Last evaluated 2025-06-18.

Allele frequency attached by ClinVar (database versions not stated): gnomAD 0.00001; gnomAD exomes 0.00001; ExAC 0.00002; TOPMed 0.00004.
gnomAD v4.1: 20 of 1,613,146 alleles (0.0012%); highest among the groups gnomAD compares: East Asian, 0.0067%; no homozygotes.

Submissions (2):

Labcorp Genetics (formerly Invitae), Labcorp
Classification: Uncertain significance. Last evaluated: 2025-06-18. Review status: criteria provided, single submitter. Criteria: Invitae Variant Classification Sherloc (09022015). Collection method: clinical testing. Allele origin: germline.
Comment: This sequence change replaces arginine, which is basic and polar, with histidine, which is basic and polar, at codon 977 of the MICAL1 protein (p.Arg977His). The frequency data for this variant in the population databases is considered unreliable, as metrics indicate poor data quality at this position in the gnomAD database. This variant has not been reported in the literature in individuals affected with MICAL1-related conditions. ClinVar contains an entry for this variant (Variation ID: 2060649). An algorithm developed to predict the effect of missense changes on protein structure and function (PolyPhen-2) suggests that this variant is likely to be tolerated. In summary, the available evidence is currently insufficient to determine the role of this variant in disease. Therefore, it has been classified as a Variant of Uncertain Significance.

Ambry Genetics
Classification: Uncertain significance. Last evaluated: 2023-08-04. Review status: criteria provided, single submitter. Criteria: Ambry Variant Classification Scheme 2023. Collection method: clinical testing. Allele origin: germline.

NM_022765.4(MICAL1):c.2873G>A (p.Arg958His)

Gene: MICAL1 (microtubule associated monooxygenase, calponin and LIM domain containing 1; minus strand). Cytogenetic location: 6q21.
Variant type: single nucleotide variant.
Coding change: c.2873G>A on transcript NM_022765.4 (MANE Select); coding-DNA position 2873, G replaced by A.
Protein change: p.Arg958His; replaces arginine 958 with histidine.
Molecular consequence: missense variant.
Genome position (GRCh38, 1-based): chr6:109,445,205, C>T on the plus strand (G>A on the coding strand, the complement: MICAL1 is on the minus strand). VCF-style: chr6-109445205-C-T. GRCh37 (hg19) VCF-style: chr6-109766408-C-T.
Other names: c.2615G>A, p.Arg872His (NM_001159291.2); c.2930G>A, p.Arg977His (NM_001286613.2); c.2873G>A (NM_022765.3); short protein forms R958H, R872H, R977H.
Identifiers: ClinVar variation 2060649 (VCV002060649.6), dbSNP rs757611652, ClinGen allele CA3952726.